The following is an entry in ClinVar:

ClinVar aggregate classification (germline): Uncertain significance. Review status: criteria provided, multiple submitters, no conflicts (2 of 4 stars). 2 submissions from 2 submitters: Uncertain significance (2). Last evaluated 2025-06-09.

Conditions:
EGFR-related lung cancer (EGFR). Identifiers: MedGen CN130014.
Hereditary cancer-predisposing syndrome. Also called: Tumor predisposition; Hereditary Cancer Syndrome; Neoplastic Syndromes, Hereditary; Hereditary neoplastic syndrome. Identifiers: Orphanet 140162, MedGen C0027672, MeSH D009386, MONDO:0015356.

Submissions (2):

Ambry Genetics
Classification: Uncertain significance for Hereditary cancer-predisposing syndrome. Last evaluated: 2025-06-09. Review status: criteria provided, single submitter. Criteria: Ambry Variant Classification Scheme 2023. Collection method: clinical testing. Allele origin: germline.
Comment: The p.K728E variant (also known as c.2182A>G), located in coding exon 18 of the EGFR gene, results from an A to G substitution at nucleotide position 2182. The lysine at codon 728 is replaced by glutamic acid, an amino acid with similar properties. This amino acid position is highly conserved in available vertebrate species. In addition, the in silico prediction for this alteration is inconclusive. Based on the available evidence, the clinical significance of this variant remains unclear.

Labcorp Genetics (formerly Invitae), Labcorp
Classification: Uncertain significance for EGFR-related lung cancer. Last evaluated: 2024-11-22. Review status: criteria provided, single submitter. Criteria: Invitae Variant Classification Sherloc (09022015). Collection method: clinical testing. Allele origin: germline.
Comment: This sequence change replaces lysine, which is basic and polar, with glutamic acid, which is acidic and polar, at codon 728 of the EGFR protein (p.Lys728Glu). This variant is not present in population databases (gnomAD no frequency). This variant has not been reported in the literature in individuals affected with EGFR-related conditions. ClinVar contains an entry for this variant (Variation ID: 2736092). An algorithm developed to predict the effect of missense changes on protein structure and function (PolyPhen-2) suggests that this variant is likely to be disruptive. In summary, the available evidence is currently insufficient to determine the role of this variant in disease. Therefore, it has been classified as a Variant of Uncertain Significance.

NM_005228.5(EGFR):c.2182A>G (p.Lys728Glu)

Gene: EGFR (epidermal growth factor receptor; plus strand). Cytogenetic location: 7p11.2.
Variant type: single nucleotide variant.
Coding change: c.2182A>G on transcript NM_005228.5 (MANE Select); coding-DNA position 2182, A replaced by G.
Protein change: p.Lys728Glu; replaces lysine 728 with glutamic acid.
Molecular consequence: missense variant.
Genome position (GRCh38, 1-based): chr7:55,174,041, A>G. VCF-style: chr7-55174041-A-G. GRCh37 (hg19) VCF-style: chr7-55241734-A-G.
Other names: c.2047A>G, p.Lys683Glu (NM_001346897.2, NM_001346899.2); c.2182A>G, p.Lys728Glu (NM_001346898.2); c.2023A>G, p.Lys675Glu (NM_001346900.2); c.1381A>G, p.Lys461Glu (NM_001346941.2); short protein forms K461E, K675E, K683E, K728E.
Identifiers: ClinVar variation 2736092 (VCV002736092.4), dbSNP rs2128953782, ClinGen allele CA367583847.
Genomic context (GRCh38, chr7:55,174,041, plus strand): 5'-AAGGAAACTGAATTCAAAAAGATCAAAGTGCTGGGCTCCGGTGCGTTCGGCACGGTGTAT[A>G]AGGTAAGGTCCCTGGCACAGGCCTCTGGGCTGGGCCGCAGGGCCTCTCATGGTCTGGTGG-3'
Protein context (NP_005219.2, residues 718-738): LGSGAFGTVY[Lys728Glu]GLWIPEGEKV